The following is an entry in ClinVar:

ClinVar aggregate classification (germline): Uncertain significance (1 of 4 stars; one submission).

Conditions:
DZIP1L-related disorder. Also called: DZIP1L-related condition.

Submission:

PreventionGenetics, part of Exact Sciences
Classification: Uncertain significance for DZIP1L-related condition. Last evaluated: 2023-09-06. Review status: criteria provided, single submitter. Criteria: ACMG Guidelines, 2015. Collection method: clinical testing. Allele origin: germline.
Comment: The DZIP1L c.703_708+8del14 variant is predicted to result in a deletion affecting a canonical splice site. To our knowledge, this variant has not been reported in the literature. This variant is reported in 0.0029% of alleles in individuals of Latino descent in gnomAD. At this time, the clinical significance of this variant is uncertain due to the absence of conclusive functional and genetic evidence.

NM_173543.3(DZIP1L):c.703_708+8del

Gene: DZIP1L (DAZ interacting zinc finger protein 1 like; minus strand). Cytogenetic location: 3q22.3.
Variant type: Deletion.
Coding change: c.703_708+8del on transcript NM_173543.3 (MANE Select); coding-DNA position 703 through 8 bases into the intron after coding-DNA position 708, 14 bases deleted (CTCCAGGTGGGCAG).
Molecular consequence: splice donor variant.
Genome position (GRCh38, 1-based): chr3:138,094,854-138,094,867, CTGCCCACCTGGAG deleted on the plus strand (CTCCAGGTGGGCAG on the coding strand, the reverse complement: DZIP1L is on the minus strand); deleting any 14 consecutive bases within chr3:138,094,854-138,094,872 gives the same sequence; the c. name uses the placement nearest the transcript's 3' end. VCF-style (leftmost placement, unchanged base first): chr3-138094853-CCTGCCCACCTGGAG-C. GRCh37 (hg19) VCF-style: chr3-137813695-CCTGCCCACCTGGAG-C.
Other names: c.703_708+8del (NM_001170538.1).
Identifiers: ClinVar variation 2631039 (VCV002631039.1), dbSNP rs1427572833, ClinGen allele CA546482331.